The following is an entry in ClinVar:

ClinVar aggregate classification (germline): Pathogenic (1 of 4 stars; one submission).

Conditions:
Intellectual developmental disorder, X-linked 19. Also called: Intellectual disability, X-linked 19. Identifiers: Orphanet 777, MedGen C0796225, MONDO:0010447, OMIM 300844.
Coffin-Lowry syndrome (CLS). Also called: COFFIN-LOWRY SYNDROME, MILD; Mental retardation with osteocartilaginous abnormalities. Identifiers: Orphanet 192, MedGen C0265252, MONDO:0010561, OMIM 303600.

Submission:

Labcorp Genetics (formerly Invitae), Labcorp
Classification: Pathogenic for Coffin-Lowry syndrome; Intellectual developmental disorder, X-linked 19. Last evaluated: 2023-10-20. Review status: criteria provided, single submitter. Criteria: Invitae Variant Classification Sherloc (09022015). Collection method: clinical testing. Allele origin: germline.
Comment: This sequence change creates a premature translational stop signal (p.Val699Serfs*15) in the RPS6KA3 gene. While this is not anticipated to result in nonsense mediated decay, it is expected to disrupt the last 42 amino acid(s) of the RPS6KA3 protein. This variant is not present in population databases (gnomAD no frequency). This variant has not been reported in the literature in individuals affected with RPS6KA3-related conditions. This variant disrupts a region of the RPS6KA3 protein in which other variant(s) (p.Arg729Trp) have been determined to be pathogenic (PMID: 16879200, 30740391). This suggests that this is a clinically significant region of the protein, and that variants that disrupt it are likely to be disease-causing. For these reasons, this variant has been classified as Pathogenic.

Literature cited by the submitters: PubMed 16879200; PubMed 30740391.

NM_004586.3(RPS6KA3):c.2093dup (p.Val699fs)

Gene: RPS6KA3 (ribosomal protein S6 kinase A3; minus strand). Cytogenetic location: Xp22.12.
Variant type: Duplication.
Coding change: c.2093dup on transcript NM_004586.3 (MANE Select); coding-DNA position 2093, one base duplicated (T; older notation c.2093dupT).
Protein change: p.Val699fs; shifts the reading frame from valine 699.
Molecular consequence: frameshift variant.
Genome position (GRCh38, 1-based): chrX:20,156,116, A duplicated on the plus strand (T on the coding strand, the reverse complement: RPS6KA3 is on the minus strand). VCF-style (leftmost placement, unchanged base first): chrX-20156115-T-TA. GRCh37 (hg19) VCF-style: chrX-20174233-T-TA.
Other names: short protein forms V699fs.
Identifiers: ClinVar variation 2951625 (VCV002951625.3), dbSNP rs2519572758, ClinGen allele CA2740092036.